The following is an entry in ClinVar:

ClinVar aggregate classification (germline): Uncertain significance (1 of 4 stars; one submission).

Submission:

GeneDx
Classification: Uncertain significance. Last evaluated: 2025-02-14. Review status: criteria provided, single submitter. Criteria: GeneDx Variant Classification Process June 2021. Collection method: clinical testing. Allele origin: germline. Affected: yes.
Comment: Not observed at significant frequency in large population cohorts (gnomAD); In silico analysis supports that this missense variant has a deleterious effect on protein structure/function; Has not been previously published as pathogenic or benign to our knowledge; within N-terminal tyrosine kinase binding domain and region Sufficient for interaction with EPHB1 (PMID: 18034775, 20619386); This variant is associated with the following publications: (PMID: 18034775, 20619386)

NM_005188.4(CBL):c.247T>C (p.Tyr83His)

Gene: CBL (Cbl proto-oncogene; plus strand). Cytogenetic location: 11q23.3.
Variant type: single nucleotide variant.
Coding change: c.247T>C on transcript NM_005188.4 (MANE Select); coding-DNA position 247, T replaced by C.
Protein change: p.Tyr83His; replaces tyrosine 83 with histidine.
Molecular consequence: missense variant.
Genome position (GRCh38, 1-based): chr11:119,232,499, T>C. VCF-style: chr11-119232499-T-C. GRCh37 (hg19) VCF-style: chr11-119103209-T-C.
Other names: short protein forms Y83H.
Identifiers: ClinVar variation 4075704 (VCV004075704.1).